The following is an entry in ClinVar:

ClinVar aggregate classification (germline): Benign. Review status: criteria provided, multiple submitters, no conflicts (2 of 4 stars). 14 submissions from 13 submitters: Benign (11). 3 of the submissions do not count toward it. Last evaluated 2026-02-04.

Conditions:
Usher syndrome type 1 (USH1). Also called: RETINITIS PIGMENTOSA AND CONGENITAL DEAFNESS. Identifiers: Orphanet 231169, Orphanet 886, MedGen C1568247, MONDO:0010168, OMIM 276900.
Autosomal recessive nonsyndromic hearing loss 23. Identifiers: Orphanet 90636, MedGen C1836027, MONDO:0012293, OMIM 609533.
Usher syndrome type 1F (USH1F). Also called: USHER SYNDROME, TYPE IF. Identifiers: Orphanet 231169, Orphanet 886, MedGen C1865885, MONDO:0011186, OMIM 602083.

Allele frequency attached by ClinVar (database versions not stated): gnomAD 0.20319 and 0.20535; ESP Exome Variant Server 0.21605; TOPMed 0.21657; 1000 Genomes Project 0.17292; 1000 Genomes Project 30x 0.17708.
gnomAD v4.1: 369,259 of 1,610,862 alleles (23%); highest among the groups gnomAD compares: Middle Eastern, 33%; 44,316 homozygotes.

Submissions (14):

Labcorp Genetics (formerly Invitae), Labcorp
Classification: Benign. Last evaluated: 2026-02-04. Review status: criteria provided, single submitter. Criteria: Invitae Variant Classification Sherloc (09022015). Collection method: clinical testing. Allele origin: germline.

Blueprint Genetics
Classification: Benign. Last evaluated: 2024-11-27. Review status: criteria provided, single submitter. Criteria: ACMG Guidelines, 2015. Collection method: clinical testing. Allele origin: germline.

Genome-Nilou Lab
Classification: Benign for Autosomal recessive nonsyndromic hearing loss 23. Last evaluated: 2021-09-05. Review status: criteria provided, single submitter. Criteria: ACMG Guidelines, 2015. Collection method: clinical testing. Allele origin: germline. Affected: no.

Genome-Nilou Lab
Classification: Benign for Usher syndrome type 1F. Last evaluated: 2021-07-01. Review status: criteria provided, single submitter. Criteria: ACMG Guidelines, 2015. Collection method: clinical testing. Allele origin: germline. Affected: no.

Mayo Clinic Laboratories, Mayo Clinic
Classification: Benign. Last evaluated: 2020-10-20. Review status: criteria provided, single submitter. Criteria: ACMG Guidelines, 2015. Collection method: clinical testing. Allele origin: germline. Observed: 70 variant alleles.

Illumina Laboratory Services, Illumina
Classification: Benign for Usher syndrome type 1. Last evaluated: 2018-01-13. Review status: criteria provided, single submitter. Criteria: ICSL Variant Classification Criteria 13 December 2019. Collection method: clinical testing. Allele origin: germline.
Comment: This variant was observed in the ICSL laboratory as part of a predisposition screen in an ostensibly healthy population. It had not been previously curated by ICSL or reported in the Human Gene Mutation Database (HGMD: prior to June 1st, 2018), and was therefore a candidate for classification through an automated scoring system. Utilizing variant allele frequency, disease prevalence and penetrance estimates, and inheritance mode, an automated score was calculated to assess if this variant is too frequent to cause the disease. Based on the score and internal cut-off values, a variant classified as benign is not then subjected to further curation. The score for this variant resulted in a classification of benign for this disease.

Women's Health and Genetics/Laboratory Corporation of America, LabCorp
Classification: Benign. Last evaluated: 2016-04-25. Review status: criteria provided, single submitter. Criteria: LabCorp Variant Classification Summary - May 2015. Collection method: clinical testing. Allele origin: germline.
Comment: Variant summary: The PCDH15 c.55T>G variant affects a non-conserved nucleotide, resulting in amino acid change from Ser to Ala. 3/4 in-silico tools predict benign outcome for this variant (SNPs&GO not captured due to low reliability index). This variant was found in 25808/118352 control chromosomes (3055 homozygotes) at a frequency of 0.2180614, which is about 69 times of the maximal expected frequency of a pathogenic PCDH15 allele (0.0031623), suggesting this variant is a benign polymorphism. This variant is reported in USH patients without evidence for causality and authors listed the variant as a frequent SNP. In addition, one reputable clinical laboratory via ClinVar classified this variant as benign. Taken together, this variant was classified as Benign.

GeneDx
Classification: Benign. Last evaluated: 2015-03-03. Review status: criteria provided, single submitter. Criteria: GeneDx Variant Classification Process June 2021. Collection method: clinical testing. Allele origin: germline. Affected: yes.

Laboratory for Molecular Medicine, Mass General Brigham Personalized Medicine
Classification: Benign. Last evaluated: 2009-06-23. Review status: criteria provided, single submitter. Criteria: LMM Criteria. Collection method: clinical testing. Allele origin: germline. Observed: 915 variant alleles.

Breakthrough Genomics
Classification: Benign. Review status: criteria provided, single submitter. Criteria: ACMG Guidelines, 2015. Collection method: not provided. Allele origin: germline. Inheritance: Autosomal recessive inheritance. Affected: yes.

PreventionGenetics, part of Exact Sciences
Classification: Benign. Review status: criteria provided, single submitter. Criteria: ACMG Guidelines, 2015. Collection method: clinical testing. Allele origin: germline.

Natera, Inc.
Classification: Benign for Usher syndrome type 1F. Last evaluated: 2020-09-16. Review status: no assertion criteria provided. Collection method: clinical testing. Allele origin: germline. Not counted in ClinVar's aggregate classification.

Diagnostic Laboratory, Department of Genetics, University Medical Center Groningen
Classification: Benign. Review status: no assertion criteria provided. Collection method: clinical testing. Allele origin: germline. Affected: yes. Study: VKGL Data-share Consensus. Not counted in ClinVar's aggregate classification.

Joint Genome Diagnostic Labs from Nijmegen and Maastricht, Radboudumc and MUMC+
Classification: Benign. Review status: no assertion criteria provided. Collection method: clinical testing. Allele origin: germline. Affected: yes. Study: VKGL Data-share Consensus. Not counted in ClinVar's aggregate classification.

Literature cited by the submitters: PubMed 24831256 (cited by Women's Health and Genetics/Laboratory Corporation of America, LabCorp).

NM_001384140.1(PCDH15):c.55T>G (p.Ser19Ala)

Gene: PCDH15 (protocadherin related 15; minus strand). Cytogenetic location: 10q21.1.
Variant type: single nucleotide variant.
Coding change: c.55T>G on transcript NM_001384140.1 (MANE Select); coding-DNA position 55, T replaced by G.
Protein change: p.Ser19Ala; replaces serine 19 with alanine.
Molecular consequence: missense variant.
Genome position (GRCh38, 1-based): chr10:54,664,208, A>C on the plus strand (T>G on the coding strand, the complement: PCDH15 is on the minus strand). VCF-style: chr10-54664208-A-C. GRCh37 (hg19) VCF-style: chr10-56423968-A-C.
Other names: c.55T>G, p.Ser19Ala (NM_001142763.2, NM_001142764.2, NM_001142765.2 and 14 more transcripts); short protein forms S19A.
Identifiers: ClinVar variation 46504 (VCV000046504.34), dbSNP rs11004439, ClinGen allele CA138481.
Genomic context (GRCh38, chr10:54,664,208, plus strand): 5'-AGGTCAAGCTAAAAGCAACCTTACCATCATCATACTGGCCCAAGCAGATTTCAAAGAGAG[A>C]GCCCAGGATGATCCCTGAAGCTAAACATGTCCAGAGATAAAACTGTCGAAACATCTTCTG-3'
Protein context (NP_001371069.1, residues 9-29): TCLASGIILG[Ser19Ala]LFEICLGQYD